The following is an entry in ClinVar:

NM_000070.3(CAPN3):c.328C>T (p.Arg110Ter)

Gene: CAPN3 (calpain 3; plus strand). Cytogenetic location: 15q15.1.
Variant type: single nucleotide variant.
Coding change: c.328C>T on transcript NM_000070.3 (MANE Select); coding-DNA position 328, C replaced by T.
Protein change: p.Arg110Ter; replaces arginine 110 with a stop codon.
Molecular consequence: nonsense.
Genome position (GRCh38, 1-based): chr15:42,384,501, C>T. VCF-style: chr15-42384501-C-T. GRCh37 (hg19) VCF-style: chr15-42676699-C-T.
Other names: NM_000070.3(CAPN3):c.328C>T; c.328C>T, p.Arg110Ter (NM_024344.2, NM_173087.2); short protein forms R110*.
Identifiers: ClinVar variation 17615 (VCV000017615.24), dbSNP rs121434545, ClinGen allele CA341471.

ClinVar aggregate classification (germline): Pathogenic. Review status: reviewed by expert panel (3 of 4 stars). 12 submissions from 12 submitters: Pathogenic (1). 11 of the submissions do not count toward it. Last evaluated 2025-01-07.

Conditions:
Muscular dystrophy, limb-girdle, autosomal dominant 4. Also called: Calpain-3-related limb-girdle muscular dystrophy D4; MUSCULAR DYSTROPHY, LIMB-GIRDLE, TYPE 1I. Identifiers: Orphanet 565909, MedGen C4748295, MONDO:0029133, OMIM 618129.
Autosomal recessive limb-girdle muscular dystrophy type 2A (LGMDR1). Also called: Calpainopathy; Muscular dystrophy, limb-girdle, type 2A, Amish; LEYDEN-MOEBIUS MUSCULAR DYSTROPHY; MUSCULAR DYSTROPHY, PELVOFEMORAL; Limb-girdle muscular dystrophy, type 2A. Identifiers: Orphanet 267, MedGen C1869123, MONDO:0009675, OMIM 253600. Disease mechanism: loss of function.
Autosomal recessive limb-girdle muscular dystrophy. Identifiers: Orphanet 102015, MedGen C2931907, MONDO:0015152.

Allele frequency attached by ClinVar (database versions not stated): TOPMed 0.00002.

Submissions (12):

ClinGen Limb Girdle Muscular Dystrophy Variant Curation Expert Panel, ClinGen
Classification: Pathogenic for Autosomal recessive limb-girdle muscular dystrophy. Last evaluated: 2025-01-07. Review status: reviewed by expert panel. Criteria: ClinGen LGMD VCEP ACMG Specifications CAPN3 V1.0.0. Collection method: curation. Allele origin: germline. Inheritance: Autosomal recessive inheritance.
Comment: The NM_000070.3: c.328C>T p.(Arg110Ter) variant in CAPN3 is a nonsense variant predicted to cause a premature stop codon in biologically relevant exon 2/24, leading to nonsense mediated decay in a gene in which loss of function is an established disease mechanism (PVS1). This variant has been detected in trans with a second CAPN3 variant in at least three unrelated individuals with LGMD (PMID: 26677118, 18854869). At least one patient with this variant displayed progressive limb girdle muscle weakness and reduced calpain-3 protein expression, which is specific for CAPN3-related LGMD (PP4_Moderate; PMID: 18854869). The variant has also been reported to co-segregate with the disease in one affected family member (PP1; PMID: 26677118). The highest population minor allele frequency in gnomAD v2.1.1 is 0.000008793 (1/113722 exome alleles) in the European (non-Finnish) population, which is less than the VCEP threshold (≤0.0001) (PM2_Supporting). In summary, this variant meets the criteria to be classified as Pathogenic for autosomal recessive limb girdle muscular dystrophy based on the ACMG/AMP criteria applied, as specified by the ClinGen LGMD VCEP (LGMD VCEP specifications version 1.0.0; 01/07/2025): PVS1, PP4_Moderate, PP1, PM2_Supporting.

3billion
Classification: Pathogenic for Autosomal recessive limb-girdle muscular dystrophy type 2A. Last evaluated: 2025-11-26. Review status: criteria provided, single submitter. Criteria: ACMG Guidelines, 2015. Collection method: clinical testing. Allele origin: germline. Affected: yes. Not counted in ClinVar's aggregate classification.
Comment: The variant is observed at an extremely low frequency in the gnomAD v4.1.0 dataset (total allele frequency: <0.001%). Predicted Consequence/Location: Stop-gained (nonsense): predicted to result in a loss or disruption of normal protein function through nonsense-mediated decay (NMD) or protein truncation. Multiple pathogenic variants are reported downstream of the variant. The variant has been reported multiple times as an established pathogenic variant (ClinVar ID: VCV000017615 /PMID: 7720071 /3billion dataset). Therefore, this variant is classified as Pathogenic according to the recommendation of ACMG/AMP guideline.

Natera, Inc.
Classification: Pathogenic for Limb-girdle muscular dystrophy type 2A. Last evaluated: 2025-11-12. Review status: criteria provided, single submitter. Criteria: Natera Variant Classification Schema (03/2026). Collection method: clinical testing. Allele origin: germline. Not counted in ClinVar's aggregate classification.
Comment: The c.328C>T variant in CAPN3 is a nonsense variant predicted to introduce a stop codon at amino acid 110. This variant is expected to result in nonsense mediated decay, truncation, or a dysfunctional protein product. This variant is rare in the general population with a frequency below the threshold expected for the associated phenotype(s). Given the available evidence, this variant is classified as Pathogenic.

Labcorp Genetics (formerly Invitae), Labcorp
Classification: Pathogenic for Autosomal recessive limb-girdle muscular dystrophy type 2A. Last evaluated: 2024-10-15. Review status: criteria provided, single submitter. Criteria: Invitae Variant Classification Sherloc (09022015). Collection method: clinical testing. Allele origin: germline. Not counted in ClinVar's aggregate classification.
Comment: This sequence change creates a premature translational stop signal (p.Arg110*) in the CAPN3 gene. It is expected to result in an absent or disrupted protein product. Loss-of-function variants in CAPN3 are known to be pathogenic (PMID: 10330340, 15689361). This variant is present in population databases (rs121434545, gnomAD 0.0009%). This premature translational stop signal has been observed in individual(s) with clinical features of autosomal recessive CAPN3-related conditions (PMID: 7720071, 16542520, 30028523). ClinVar contains an entry for this variant (Variation ID: 17615). For these reasons, this variant has been classified as Pathogenic.

Revvity Omics, Revvity
Classification: Pathogenic. Last evaluated: 2024-06-20. Review status: criteria provided, single submitter. Criteria: ACMG Guidelines, 2015. Collection method: clinical testing. Allele origin: germline. Not counted in ClinVar's aggregate classification.

Fulgent Genetics
Classification: Pathogenic for Autosomal recessive limb-girdle muscular dystrophy type 2A; Muscular dystrophy, limb-girdle, autosomal dominant 4. Last evaluated: 2024-03-06. Review status: criteria provided, single submitter. Criteria: ACMG Guidelines, 2015. Collection method: clinical testing. Allele origin: germline. Not counted in ClinVar's aggregate classification.

Baylor Genetics
Classification: Pathogenic for Muscular dystrophy, limb-girdle, autosomal dominant 4. Last evaluated: 2023-03-04. Review status: criteria provided, single submitter. Criteria: ACMG Guidelines, 2015. Collection method: clinical testing. Allele origin: unknown. Not counted in ClinVar's aggregate classification.

Dasa
Classification: Pathogenic for Muscular dystrophy, limb-girdle, autosomal dominant 4. Last evaluated: 2022-01-05. Review status: criteria provided, single submitter. Criteria: ACMG Guidelines, 2015. Collection method: clinical testing. Allele origin: germline. Affected: yes. Observed: 1 variant allele. Not counted in ClinVar's aggregate classification.
Comment: The c.328C>T;p.(Arg110*) variant creates a premature translational stop signal in the CAPN3 gene. It is expected to result in an absent or disrupted protein product -PVS1. This sequence change has been observed in affected individual(s) and ClinVar contains an entry for this variant (ClinVar ID:17615; PMID: 16141003; 7720071; 16542520; 25135358; 30028523; 31931849) - PS4. The variant is present at low allele frequencies population databases (rs121434545– gnomAD 0.0006574%; ABraOM 0.000427 frequency) - PM2_supporting. The p.(Arg110*) was detected in trans with a pathogenic variant (PMID: 26677118; 18854869) - PM3_strong. In summary, the currently available evidence indicates that the variant is pathogenic.

Mendelics
Classification: Pathogenic for Autosomal recessive limb-girdle muscular dystrophy type 2A. Last evaluated: 2019-05-28. Review status: criteria provided, single submitter. Criteria: Mendelics Assertion Criteria 2017. Collection method: clinical testing. Allele origin: unknown. Not counted in ClinVar's aggregate classification.

Broad Center for Mendelian Genomics, Broad Institute of MIT and Harvard
Classification: Pathogenic for Autosomal recessive limb-girdle muscular dystrophy type 2A. Last evaluated: 2018-12-03. Review status: criteria provided, single submitter. Criteria: ACMG Guidelines, 2015. Collection method: research. Allele origin: germline. Inheritance: Autosomal recessive inheritance. Affected: yes. Not counted in ClinVar's aggregate classification.
Comment: The presence of this variant in combination with a pathogenic variant and in an individual with LGMD increases the likelihood that the p.Arg110Ter variant is pathogenic. This variant has been identified in 0.0008955% (1/111670) of European (non-Finnish) chromosomes by the Genome Aggregation Database (gnomAD; dbSNP rs121434545). Although this variant has been seen in the general population, its frequency is low enough to be consistent with a recessive carrier frequency. This nonsense variant leads to a premature termination codon at position 110, which is predicted to lead to a truncated or absent protein. Loss of function of the CAPN3 gene is an established disease mechanism in autosomal recessive LGMD. In summary, this variant meets criteria to be classified as pathogenic for LGMD in an autosomal recessive manner based on the predicted impact of the variant and the presence of another pathogenic variant in one individual with LGMD. ACMG/AMP Criteria applied: PM2, PVS1, PM3 (Richards 2015).

Counsyl
Classification: Pathogenic for Autosomal recessive limb-girdle muscular dystrophy type 2A. Last evaluated: 2017-03-21. Review status: no assertion criteria provided. Collection method: clinical testing. Allele origin: unknown. Not counted in ClinVar's aggregate classification.

OMIM
Classification: Pathogenic for MUSCULAR DYSTROPHY, LIMB-GIRDLE, AUTOSOMAL RECESSIVE 1. Last evaluated: 1995-04-07. Review status: no assertion criteria provided. Collection method: literature only. Allele origin: germline. Not counted in ClinVar's aggregate classification.

Literature cited by the submitters: PubMed 7720071 (cited by 5 submitters); PubMed 10330340 (cited by Labcorp Genetics (formerly Invitae), Labcorp); PubMed 15689361 (cited by Labcorp Genetics (formerly Invitae), Labcorp); PubMed 16542520 (cited by Labcorp Genetics (formerly Invitae), Labcorp and Dasa); PubMed 30028523 (cited by Labcorp Genetics (formerly Invitae), Labcorp and Dasa); PubMed 16141003 (cited by Dasa); PubMed 25135358 (cited by Dasa and Counsyl); PubMed 31931849 (cited by Dasa); PubMed 26677118 (cited by Dasa); PubMed 18854869 (cited by Dasa).